The following is an entry in ClinVar:

ClinVar aggregate classification (germline): Likely pathogenic (1 of 4 stars; one submission).

Conditions:
Cystinuria (CSNU). Also called: CYSTINURIA, TYPE I; CYSTINURIA, TYPE II; CYSTINURIA, TYPE III; Cystinuria, non-type I. Identifiers: Orphanet 214, MedGen C0010691, MONDO:0009067, OMIM 220100, HP:0003131.

Submission:

Rare Kidney Stone Consortium and the Mayo Clinic Hyperoxaluria Center, Mayo Clinic
Classification: Likely pathogenic for Cystinuria. Last evaluated: 2025-10-03. Review status: criteria provided, single submitter. Criteria: ACMG Guidelines, 2015. Collection method: research. Allele origin: germline. Affected: yes. Observed: 1 variant allele.
Comment: ACMG:PM1, PM2, PP1-M, PP3, PP4

Literature cited by the submitters: PubMed 40794449.

NM_000341.4(SLC3A1):c.378C>G (p.Ile126Met)

Gene: SLC3A1 (solute carrier family 3 member 1; plus strand). Cytogenetic location: 2p21.
Variant type: single nucleotide variant.
Coding change: c.378C>G on transcript NM_000341.4 (MANE Select); coding-DNA position 378, C replaced by G.
Protein change: p.Ile126Met; replaces isoleucine 126 with methionine.
Molecular consequence: missense variant.
Genome position (GRCh38, 1-based): chr2:44,275,913, C>G. VCF-style: chr2-44275913-C-G. GRCh37 (hg19) VCF-style: chr2-44503052-C-G.
Other names: short protein forms I126M.
Identifiers: ClinVar variation 4526822 (VCV004526822.1).